The following is an entry in ClinVar:

ClinVar aggregate classification (germline): Likely benign. Review status: criteria provided, multiple submitters, no conflicts (2 of 4 stars). 3 submissions from 3 submitters: Likely benign (3). Last evaluated 2026-09-14.

Conditions:
ABCA4-related disorder. Also called: ABCA4-related disorders; ABCA4-related condition. Identifiers: MedGen CN239167.

Allele frequency attached by ClinVar (database versions not stated): gnomAD 0.00011 and 0.00012; ESP Exome Variant Server 0.00054.
gnomAD v4.1: 38 of 1,613,966 alleles (0.0024%); highest among the groups gnomAD compares: African/African-American, 0.04%; no homozygotes.

Submissions (3):

PreventionGenetics, part of Exact Sciences
Classification: Likely benign for ABCA4-related condition. Last evaluated: 2026-09-14. Review status: criteria provided, single submitter. Criteria: ACMG Guidelines, 2015. Collection method: clinical testing. Allele origin: germline.
Comment: This variant is classified as likely benign based on ACMG/AMP sequence variant interpretation guidelines (Richards et al. 2015 PMID: 25741868, with internal and published modifications).

Labcorp Genetics (formerly Invitae), Labcorp
Classification: Likely benign. Last evaluated: 2026-01-21. Review status: criteria provided, single submitter. Criteria: Invitae Variant Classification Sherloc (09022015). Collection method: clinical testing. Allele origin: germline.

Blueprint Genetics
Classification: Likely benign. Last evaluated: 2019-10-31. Review status: criteria provided, single submitter. Criteria: ACMG Guidelines, 2015. Collection method: clinical testing. Allele origin: germline.

NM_000350.3(ABCA4):c.903G>A (p.Arg301=)

Gene: ABCA4 (ATP binding cassette subfamily A member 4; minus strand). Cytogenetic location: 1p22.1.
Variant type: single nucleotide variant.
Coding change: c.903G>A on transcript NM_000350.3 (MANE Select); coding-DNA position 903, G replaced by A.
Protein change: p.Arg301=; no amino-acid change (arginine 301 retained).
Molecular consequence: synonymous variant.
Genome position (GRCh38, 1-based): chr1:94,080,674, C>T on the plus strand (G>A on the coding strand, the complement: ABCA4 is on the minus strand). VCF-style: chr1-94080674-C-T. GRCh37 (hg19) VCF-style: chr1-94546230-C-T.
Other names: c.903G>A, p.Arg301= (NM_001425324.1); c.903G>A (NM_000350.2).
Identifiers: ClinVar variation 1108350 (VCV001108350.11), dbSNP rs142076270, ClinGen allele CA958681.